The following is an entry in ClinVar:

ClinVar aggregate classification (germline): Conflicting classifications of pathogenicity. Review status: criteria provided, conflicting classifications (1 of 4 stars). 2 submissions from 2 submitters: Uncertain significance (1); Likely benign (1). Last evaluated 2023-03-23.

Conditions:
Hereditary cancer-predisposing syndrome. Also called: Tumor predisposition; Neoplastic Syndromes, Hereditary; Hereditary neoplastic syndrome; Hereditary Cancer Syndrome. Identifiers: Orphanet 140162, MedGen C0027672, MeSH D009386, MONDO:0015356.

Submissions (2):

University of Washington Department of Laboratory Medicine, University of Washington
Classification: Likely benign for Hereditary cancer-predisposing syndrome. Last evaluated: 2023-03-23. Review status: criteria provided, single submitter. Criteria: Dines et al. (Genet Med. 2020). Collection method: curation. Allele origin: germline.
Comment: Missense variant in a coldspot region where missense variants are very unlikely to be pathogenic (PMID:31911673).

BRCA2 exon 11 coldspot. Reclassification based on statistical prior probability.

Women's Health and Genetics/Laboratory Corporation of America, LabCorp
Classification: Uncertain significance. Last evaluated: 2018-12-13. Review status: criteria provided, single submitter. Criteria: LabCorp Variant Classification Summary - May 2015. Collection method: clinical testing. Allele origin: germline.
Comment: Variant summary: BRCA2 c.6698C>G (p.Ala2233Gly) results in a non-conservative amino acid change in the encoded protein sequence. Five of five in-silico tools predict a damaging effect of the variant on protein function. The variant was absent in 246118 control chromosomes (gnomAD). The available data on variant occurrences in the general population are insufficient to allow any conclusion about variant significance. To our knowledge, no occurrence of c.6698C>G in individuals affected with Hereditary Breast and Ovarian Cancer and no experimental evidence demonstrating its impact on protein function have been reported. No clinical diagnostic laboratories have submitted clinical-significance assessments for this variant to ClinVar after 2014. Based on the evidence outlined above, the variant was classified as uncertain significance.

NM_000059.4(BRCA2):c.6698C>G (p.Ala2233Gly)

Gene: BRCA2 (BRCA2 DNA repair associated; plus strand). Cytogenetic location: 13q13.1.
Variant type: single nucleotide variant.
Coding change: c.6698C>G on transcript NM_000059.4 (MANE Select); coding-DNA position 6698, C replaced by G.
Protein change: p.Ala2233Gly; replaces alanine 2233 with glycine.
Molecular consequence: missense variant.
Genome position (GRCh38, 1-based): chr13:32,341,053, C>G. VCF-style: chr13-32341053-C-G. GRCh37 (hg19) VCF-style: chr13-32915190-C-G.
Other names: short protein forms A2233G.
Identifiers: ClinVar variation 632721 (VCV000632721.3), dbSNP rs41293501, ClinGen allele CA387790626.